The following is an entry in ClinVar:

NM_024675.4(PALB2):c.3241G>A (p.Glu1081Lys)

Gene: PALB2 (partner and localizer of BRCA2; minus strand). Cytogenetic location: 16p12.2.
Variant type: single nucleotide variant.
Coding change: c.3241G>A on transcript NM_024675.4 (MANE Select); coding-DNA position 3241, G replaced by A.
Protein change: p.Glu1081Lys; replaces glutamic acid 1081 with lysine.
Molecular consequence: missense variant.
Genome position (GRCh38, 1-based): chr16:23,607,973, C>T on the plus strand (G>A on the coding strand, the complement: PALB2 is on the minus strand). VCF-style: chr16-23607973-C-T. GRCh37 (hg19) VCF-style: chr16-23619294-C-T.
Other names: c.3241G>A (NM_024675.3); short protein forms E1081K.
Identifiers: ClinVar variation 1367363 (VCV001367363.10), dbSNP rs2142273676, ClinGen allele CA395139919.

ClinVar aggregate classification (germline): Uncertain significance. Review status: criteria provided, multiple submitters, no conflicts (2 of 4 stars). 2 submissions from 2 submitters: Uncertain significance (2). Last evaluated 2023-04-28.

Conditions:
Hereditary cancer-predisposing syndrome. Also called: Neoplastic Syndromes, Hereditary; Tumor predisposition; Hereditary neoplastic syndrome; Hereditary Cancer Syndrome. Identifiers: Orphanet 140162, MedGen C0027672, MeSH D009386, MONDO:0015356.
Familial cancer of breast. Also called: BREAST CANCER, FAMILIAL; Hereditary breast cancer; hereditary breast carcinoma. Identifiers: Orphanet 227535, MedGen C0346153, MONDO:0016419, OMIM 114480. Disease mechanism: loss of function.

Submissions (2):

Ambry Genetics
Classification: Uncertain significance for Hereditary cancer-predisposing syndrome. Last evaluated: 2023-04-28. Review status: criteria provided, single submitter. Criteria: Ambry Variant Classification Scheme 2023. Collection method: clinical testing. Allele origin: germline.
Comment: The p.E1081K variant (also known as c.3241G>A), located in coding exon 12 of the PALB2 gene, results from a G to A substitution at nucleotide position 3241. The glutamic acid at codon 1081 is replaced by lysine, an amino acid with similar properties. This amino acid position is conserved. In addition, this alteration is predicted to be tolerated by in silico analysis. Since supporting evidence is limited at this time, the clinical significance of this alteration remains unclear.

Labcorp Genetics (formerly Invitae), Labcorp
Classification: Uncertain significance for Familial cancer of breast. Last evaluated: 2022-07-14. Review status: criteria provided, single submitter. Criteria: Invitae Variant Classification Sherloc (09022015). Collection method: clinical testing. Allele origin: germline.
Comment: This sequence change replaces glutamic acid, which is acidic and polar, with lysine, which is basic and polar, at codon 1081 of the PALB2 protein (p.Glu1081Lys). In summary, the available evidence is currently insufficient to determine the role of this variant in disease. Therefore, it has been classified as a Variant of Uncertain Significance. Algorithms developed to predict the effect of missense changes on protein structure and function are either unavailable or do not agree on the potential impact of this missense change (SIFT: "Tolerated"; PolyPhen-2: "Possibly Damaging"; Align-GVGD: "Class C0"). ClinVar contains an entry for this variant (Variation ID: 1367363). This variant has not been reported in the literature in individuals affected with PALB2-related conditions. This variant is not present in population databases (gnomAD no frequency).